The following is an entry in ClinVar:

NM_002907.4(RECQL):c.1460A>C (p.Lys487Thr)

Gene: RECQL (RecQ like helicase; minus strand). Cytogenetic location: 12p12.1.
Variant type: single nucleotide variant.
Coding change: c.1460A>C on transcript NM_002907.4 (MANE Select); coding-DNA position 1460, A replaced by C.
Protein change: p.Lys487Thr; replaces lysine 487 with threonine.
Molecular consequence: missense variant.
Genome position (GRCh38, 1-based): chr12:21,471,635, T>G on the plus strand (A>C on the coding strand, the complement: RECQL is on the minus strand). VCF-style: chr12-21471635-T-G. GRCh37 (hg19) VCF-style: chr12-21624569-T-G.
Other names: c.1460A>C, p.Lys487Thr (NM_032941.3); short protein forms K487T.
Identifiers: ClinVar variation 506625 (VCV000506625.27), dbSNP rs6501, ClinGen allele CA6478737.

ClinVar aggregate classification (germline): Benign. Review status: criteria provided, multiple submitters, no conflicts (2 of 4 stars). 7 submissions from 7 submitters: Benign (6). 1 of the submissions does not count toward it. Last evaluated 2026-01-28.

Conditions:
RECON progeroid syndrome (RECON). Identifiers: MedGen C5830504, MONDO:0957266, OMIM 620370.

Allele frequency attached by ClinVar (database versions not stated): gnomAD exomes 0.00208 and 0.00516; ExAC 0.00576; gnomAD 0.01477 and 0.01583; ESP Exome Variant Server 0.01676; TOPMed 0.01704; 1000 Genomes Project 0.01917; 1000 Genomes Project 30x 0.01983.
gnomAD v4.1: 5,478 of 1,612,030 alleles (0.34%); highest among the groups gnomAD compares: African/African-American, 4.6%; 98 homozygotes.

Submissions (7):

Labcorp Genetics (formerly Invitae), Labcorp
Classification: Benign. Last evaluated: 2026-01-28. Review status: criteria provided, single submitter. Criteria: Invitae Variant Classification Sherloc (09022015). Collection method: clinical testing. Allele origin: germline.

Quest Diagnostics Nichols Institute San Juan Capistrano
Classification: Benign. Last evaluated: 2025-07-30. Review status: criteria provided, single submitter. Criteria: Quest Diagnostics criteria. Collection method: clinical testing. Allele origin: unknown.

ARUP Laboratories, Molecular Genetics and Genomics, ARUP Laboratories
Classification: Benign for RECON progeroid syndrome. Last evaluated: 2025-07-15. Review status: criteria provided, single submitter. Criteria: ARUP Molecular Germline Variant Investigation Process 2024. Collection method: clinical testing. Allele origin: germline.

Ambry Genetics
Classification: Benign. Last evaluated: 2020-07-30. Review status: criteria provided, single submitter. Criteria: Ambry Variant Classification Scheme 2023. Collection method: clinical testing. Allele origin: germline.

GeneDx
Classification: Benign. Last evaluated: 2017-12-24. Review status: criteria provided, single submitter. Criteria: GeneDx Variant Classification (06012015). Collection method: clinical testing. Allele origin: germline. Affected: yes.
Comment: This variant is considered likely benign or benign based on one or more of the following criteria: it is a conservative change, it occurs at a poorly conserved position in the protein, it is predicted to be benign by multiple in silico algorithms, and/or has population frequency not consistent with disease.

Breakthrough Genomics
Classification: Benign. Review status: criteria provided, single submitter. Criteria: ACMG Guidelines, 2015. Collection method: not provided. Allele origin: germline. Inheritance: Unknown mechanism. Affected: yes.

Department of Pathology and Laboratory Medicine, Sinai Health System
Classification: Likely benign. Review status: no assertion criteria provided. Collection method: clinical testing. Allele origin: unknown. Affected: yes. Study: The Canadian Open Genetics Repository (COGR). Not counted in ClinVar's aggregate classification.
Comment: The RECQL p.Lys487Thr variant was not identified in the literature nor was it identified in Cosmic or LOVD 3.0. The variant was identified in dbSNP (ID: rs6501) and in ClinVar (classified as benign by GeneDx). The variant was also found in 1732 of 281554 chromosomes (35 homozygous) at a frequency of 0.006152 increasing the likelihood this could be a low frequency benign variant (Genome Aggregation Database Feb 27, 2017). The variant was observed in the following populations: African in 1199 of 24862 chromosomes (freq: 0.04823), Ashkenazi Jewish in 328 of 10300 chromosomes (freq: 0.03184), Other in 26 of 7174 chromosomes (freq: 0.003624), Latino in 110 of 35228 chromosomes (freq: 0.003123), European (non-Finnish) in 64 of 128418 chromosomes (freq: 0.000498), European (Finnish) in 3 of 25068 chromosomes (freq: 0.00012) and South Asian in 2 of 30572 chromosomes (freq: 0.000065); it was not observed in the East Asian populations. The variant occurs outside of the splicing consensus sequence and in silico or computational prediction software programs (SpliceSiteFinder, MaxEntScan, NNSPLICE, GeneSplicer) do not predict a difference in splicing. The p.Lys487 residue is conserved in mammals but not in more distantly related organisms and four out of five computational analyses (PolyPhen-2, SIFT, AlignGVGD, MutationTaster) do not suggest a high likelihood of impact to the protein; this information is not predictive enough to rule out pathogenicity. In summary, based on the above information the clinical significance of this variant cannot be determined with certainty at this time although we woudl lean towards a more benign role for this variant. This variant is classified as likely benign.

Literature cited by the submitters: PubMed 33471991 (cited by Quest Diagnostics Nichols Institute San Juan Capistrano).